The following is an entry in ClinVar:

NM_000487.6(ARSA):c.224+2T>A

Gene: ARSA (arylsulfatase A; minus strand). Cytogenetic location: 22q13.33.
Variant type: single nucleotide variant.
Coding change: c.224+2T>A on transcript NM_000487.6 (MANE Select); the canonical splice donor site of the intron after coding-DNA position 224, T replaced by A.
Molecular consequence: splice donor variant. On other transcripts: intron variant (2).
Genome position (GRCh38, 1-based): chr22:50,627,554, A>T on the plus strand (T>A on the coding strand, the complement: ARSA is on the minus strand). VCF-style: chr22-50627554-A-T. GRCh37 (hg19) VCF-style: chr22-51065982-A-T.
Other names: c.-34-148T>A (NM_001362782.2, NM_001085428.3); c.224+2T>A (NM_001085427.3, NM_001085426.3, NM_001085425.3).
Identifiers: ClinVar variation 1521032 (VCV001521032.6), dbSNP rs2146727518, ClinGen allele CA412182064.

ClinVar aggregate classification (germline): Likely pathogenic (1 of 4 stars; one submission).

Conditions:
Metachromatic leukodystrophy (MLD). Also called: SULFATIDE LIPIDOSIS; ARSA DEFICIENCY; CEREBROSIDE SULFATASE DEFICIENCY; Cerebral sclerosis diffuse metachromatic form; Arylsulfatase A Deficiency; METACHROMATIC LEUKOENCEPHALOPATHY. Identifiers: Orphanet 512, MedGen C0023522, MONDO:0018868, OMIM 250100.

Allele frequency attached by ClinVar (database versions not stated): gnomAD exomes below 0.00001.
gnomAD v4.1: 2 of 1,559,420 alleles (0.00013%); highest among the groups gnomAD compares: Non-Finnish European, 0.00017%; no homozygotes.

Submission:

Labcorp Genetics (formerly Invitae), Labcorp
Classification: Likely pathogenic for Metachromatic leukodystrophy. Last evaluated: 2021-07-09. Review status: criteria provided, single submitter. Criteria: Invitae Variant Classification Sherloc (09022015). Collection method: clinical testing. Allele origin: germline.
Comment: This variant is not present in population databases (ExAC no frequency). This sequence change affects a donor splice site in intron 1 of the ARSA gene. It is expected to disrupt RNA splicing. Variants that disrupt the donor or acceptor splice site typically lead to a loss of protein function (PMID: 16199547), and loss-of-function variants in ARSA are known to be pathogenic (PMID: 8962139, 10477432). This variant has not been reported in the literature in individuals affected with ARSA-related conditions. Algorithms developed to predict the effect of sequence changes on RNA splicing suggest that this variant may disrupt the consensus splice site. In summary, the currently available evidence indicates that the variant is pathogenic, but additional data are needed to prove that conclusively. Therefore, this variant has been classified as Likely Pathogenic.

Literature cited by the submitters: PubMed 16199547; PubMed 8962139; PubMed 10477432.